The following is an entry in ClinVar:

NM_002500.5(NEUROD1):c.421G>A (p.Glu141Lys)

Gene: NEUROD1 (neuronal differentiation 1; minus strand). Cytogenetic location: 2q31.3.
Variant type: single nucleotide variant.
Coding change: c.421G>A on transcript NM_002500.5 (MANE Select); coding-DNA position 421, G replaced by A.
Protein change: p.Glu141Lys; replaces glutamic acid 141 with lysine.
Molecular consequence: missense variant.
Genome position (GRCh38, 1-based): chr2:181,678,440, C>T on the plus strand (G>A on the coding strand, the complement: NEUROD1 is on the minus strand). VCF-style: chr2-181678440-C-T. GRCh37 (hg19) VCF-style: chr2-182543167-C-T.
Other names: short protein forms E141K.
Identifiers: ClinVar variation 2097381 (VCV002097381.4), dbSNP rs768978253, ClinGen allele CA62111444.
Genomic context (GRCh38, chr2:181,678,440, plus strand): 5'-TGCCTGAGCGCAGGATCTCCGACAGAGCCCAGATGTAGTTCTTGGCCAAGCGCAGAGTCT[C>T]GATTTTGGACAGCTTCTGCGTCTTAGAATAGCAAGGCACCACCTTGCGCAGGTTGTCTAG-3'
Protein context (NP_002491.3, residues 131-151): YSKTQKLSKI[Glu141Lys]TLRLAKNYIW

ClinVar aggregate classification (germline): Uncertain significance (1 of 4 stars; one submission).

Allele frequency attached by ClinVar (database versions not stated): gnomAD 0.00001; gnomAD exomes 0.00001.
gnomAD v4.1: 18 of 1,614,086 alleles (0.0011%); highest among the groups gnomAD compares: Non-Finnish European, 0.0014%; no homozygotes.

Submission:

Labcorp Genetics (formerly Invitae), Labcorp
Classification: Uncertain significance. Last evaluated: 2022-02-13. Review status: criteria provided, single submitter. Criteria: Invitae Variant Classification Sherloc (09022015). Collection method: clinical testing. Allele origin: germline.
Comment: Algorithms developed to predict the effect of missense changes on protein structure and function (SIFT, PolyPhen-2, Align-GVGD) all suggest that this variant is likely to be disruptive. This variant has not been reported in the literature in individuals affected with NEUROD1-related conditions. This variant is not present in population databases (gnomAD no frequency). This sequence change replaces glutamic acid, which is acidic and polar, with lysine, which is basic and polar, at codon 141 of the NEUROD1 protein (p.Glu141Lys). In summary, the available evidence is currently insufficient to determine the role of this variant in disease. Therefore, it has been classified as a Variant of Uncertain Significance.